The following is an entry in ClinVar:

ClinVar aggregate classification (germline): Uncertain significance (1 of 4 stars; one submission).

Submission:

Labcorp Genetics (formerly Invitae), Labcorp
Classification: Uncertain significance. Last evaluated: 2023-07-17. Review status: criteria provided, single submitter. Criteria: Invitae Variant Classification Sherloc (09022015). Collection method: clinical testing. Allele origin: germline.
Comment: In summary, the available evidence is currently insufficient to determine the role of this variant in disease. Therefore, it has been classified as a Variant of Uncertain Significance. Variants that disrupt the consensus splice site are a relatively common cause of aberrant splicing (PMID: 17576681, 9536098). Algorithms developed to predict the effect of sequence changes on RNA splicing suggest that this variant is not likely to affect RNA splicing. ClinVar contains an entry for this variant (Variation ID: 1524253). This variant has not been reported in the literature in individuals affected with ERCC6L2-related conditions. This variant is not present in population databases (gnomAD no frequency). This sequence change falls in intron 6 of the ERCC6L2 gene. It does not directly change the encoded amino acid sequence of the ERCC6L2 protein. It affects a nucleotide within the consensus splice site.

Literature cited by the submitters: PubMed 17576681; PubMed 9536098.

NM_020207.7(ERCC6L2):c.1158+4A>G

Gene: ERCC6L2 (ERCC excision repair 6 like 2; plus strand). Cytogenetic location: 9q22.32.
Variant type: single nucleotide variant.
Coding change: c.1158+4A>G on transcript NM_020207.7 (MANE Select); 4 bases into the intron after coding-DNA position 1158, A replaced by G.
Molecular consequence: intron variant.
Genome position (GRCh38, 1-based): chr9:95,916,438, A>G. VCF-style: chr9-95916438-A-G. GRCh37 (hg19) VCF-style: chr9-98678720-A-G.
Other names: c.1158+4A>G (NM_001375291.1, NM_001375292.1, NM_001375294.1 and 2 more transcripts).
Identifiers: ClinVar variation 1524253 (VCV001524253.6), dbSNP rs2132710428, ClinGen allele CA2573144918.